The following is an entry in ClinVar:

ClinVar aggregate classification (germline): Uncertain significance (1 of 4 stars; one submission).

gnomAD v4.1: 2 of 1,613,898 alleles (0.00012%); highest among the groups gnomAD compares: African/African-American, 0.0013%; no homozygotes.

Submission:

Women's Health and Genetics/Laboratory Corporation of America, LabCorp
Classification: Uncertain significance. Last evaluated: 2024-11-11. Review status: criteria provided, single submitter. Criteria: LabCorp Variant Classification Summary - May 2015. Collection method: clinical testing. Allele origin: germline.
Comment: Variant summary: ZNF407 c.2041G>A (p.Ala681Thr) results in a non-conservative amino acid change in the encoded protein sequence. Four of five in-silico tools predict a benign effect of the variant on protein function. The variant was absent in 248992 control chromosomes. The available data on variant occurrences in the general population are insufficient to allow any conclusion about variant significance. To our knowledge, no occurrence of c.2041G>A in individuals affected with ZNF407-Related Disorders and no experimental evidence demonstrating its impact on protein function have been reported. No submitters have cited clinical-significance assessments for this variant to ClinVar. Based on the evidence outlined above, the variant was classified as uncertain significance.

NM_017757.3(ZNF407):c.2041G>A (p.Ala681Thr)

Gene: ZNF407 (zinc finger protein 407; plus strand). Cytogenetic location: 18q22.3.
Variant type: single nucleotide variant.
Coding change: c.2041G>A on transcript NM_017757.3 (MANE Select); coding-DNA position 2041, G replaced by A.
Protein change: p.Ala681Thr; replaces alanine 681 with threonine.
Molecular consequence: missense variant.
Genome position (GRCh38, 1-based): chr18:74,633,060, G>A. VCF-style: chr18-74633060-G-A. GRCh37 (hg19) VCF-style: chr18-72345016-G-A.
Other names: c.2041G>A, p.Ala681Thr (NM_001146189.1, NM_001146190.1, NM_001384475.1); short protein forms A681T.
Identifiers: ClinVar variation 3629707 (VCV003629707.1).